The following is an entry in ClinVar:

ClinVar aggregate classification (germline): Likely benign (1 of 4 stars; one submission).

Allele frequency attached by ClinVar (database versions not stated): ExAC 0.00003.
gnomAD v4.1: 3 of 1,589,318 alleles (0.00019%); highest among the groups gnomAD compares: Non-Finnish European, 0.00026%; no homozygotes.

Submission:

CeGaT Center for Human Genetics Tuebingen
Classification: Likely benign. Last evaluated: 2026-05-01. Review status: criteria provided, single submitter. Criteria: CeGaT Center For Human Genetics Tuebingen Variant Classification Criteria Version 2. Collection method: clinical testing. Allele origin: germline. Affected: yes. Observed: 2 variant alleles.
Comment: DMBT1: BP4, BP7

NM_001377530.1(DMBT1):c.1560T>C (p.Asp520=)

Gene: DMBT1 (deleted in malignant brain tumors 1; plus strand). Cytogenetic location: 10q26.13.
Variant type: single nucleotide variant.
Coding change: c.1560T>C on transcript NM_001377530.1 (MANE Select); coding-DNA position 1560, T replaced by C.
Protein change: p.Asp520=; no amino-acid change (aspartic acid 520 retained).
Molecular consequence: synonymous variant. On other transcripts: intron variant (1).
Genome position (GRCh38, 1-based): chr10:122,586,160, T>C. VCF-style: chr10-122586160-T-C. GRCh37 (hg19) VCF-style: chr10-124345676-T-C.
Other names: c.1560T>C, p.Asp520= (NM_001320644.2, NM_007329.3); c.1530T>C, p.Asp510= (NM_017579.3); c.1420+1809T>C (NM_004406.3).
Identifiers: ClinVar variation 2640913 (VCV002640913.24), dbSNP rs755558205, ClinGen allele CA5726846.